The following is an entry in ClinVar:

NM_006231.4(POLE):c.3729G>T (p.Gln1243His)

Gene: POLE (DNA polymerase epsilon, catalytic subunit; minus strand). Cytogenetic location: 12q24.33.
Variant type: single nucleotide variant.
Coding change: c.3729G>T on transcript NM_006231.4 (MANE Select); coding-DNA position 3729, G replaced by T.
Protein change: p.Gln1243His; replaces glutamine 1243 with histidine.
Molecular consequence: missense variant.
Genome position (GRCh38, 1-based): chr12:132,649,743, C>A on the plus strand (G>T on the coding strand, the complement: POLE is on the minus strand). VCF-style: chr12-132649743-C-A. GRCh37 (hg19) VCF-style: chr12-133226329-C-A.
Other names: short protein forms Q1243H.
Identifiers: ClinVar variation 1018919 (VCV001018919.9), dbSNP rs2042378197, ClinGen allele CA387386289.

ClinVar aggregate classification (germline): Uncertain significance (1 of 4 stars; one submission).

Submission:

Labcorp Genetics (formerly Invitae), Labcorp
Classification: Uncertain significance. Last evaluated: 2020-01-06. Review status: criteria provided, single submitter. Criteria: Invitae Variant Classification Sherloc (09022015). Collection method: clinical testing. Allele origin: germline.
Comment: In summary, the available evidence is currently insufficient to determine the role of this variant in disease. Therefore, it has been classified as a Variant of Uncertain Significance. Algorithms developed to predict the effect of missense changes on protein structure and function output the following: SIFT: "Tolerated"; PolyPhen-2: "Benign"; Align-GVGD: "Class C0". The histidine amino acid residue is found in multiple mammalian species, suggesting that this missense change does not adversely affect protein function. These predictions have not been confirmed by published functional studies and their clinical significance is uncertain. This variant has not been reported in the literature in individuals with POLE-related conditions. This variant is not present in population databases (ExAC no frequency). This sequence change replaces glutamine with histidine at codon 1243 of the POLE protein (p.Gln1243His). The glutamine residue is moderately conserved and there is a small physicochemical difference between glutamine and histidine.